The following is an entry in ClinVar:

NM_024665.7(TBL1XR1):c.366A>T (p.Gly122=)

Gene: TBL1XR1 (TBL1X/Y related 1; minus strand). Cytogenetic location: 3q26.32.
Variant type: single nucleotide variant.
Coding change: c.366A>T on transcript NM_024665.7 (MANE Select); coding-DNA position 366, A replaced by T.
Protein change: p.Gly122=; no amino-acid change (glycine 122 retained).
Molecular consequence: synonymous variant.
Genome position (GRCh38, 1-based): chr3:177,051,565, T>A on the plus strand (A>T on the coding strand, the complement: TBL1XR1 is on the minus strand). VCF-style: chr3-177051565-T-A. GRCh37 (hg19) VCF-style: chr3-176769353-T-A.
Other names: c.366A>T, p.Gly122= (NM_001321193.3, NM_001321194.3, NM_001374327.1 and 2 more transcripts); c.105A>T, p.Gly35= (NM_001321195.3, NM_001374330.1).
Identifiers: ClinVar variation 771593 (VCV000771593.22), dbSNP rs189284362, ClinGen allele CA2709994.

ClinVar aggregate classification (germline): Likely benign. Review status: criteria provided, multiple submitters, no conflicts (2 of 4 stars). 2 submissions from 2 submitters: Likely benign (2). Last evaluated 2025-11-24.

Conditions:
Pierpont syndrome (PRPTS). Identifiers: Orphanet 487825, MedGen C1865644, MONDO:0011213, OMIM 602342.

Allele frequency attached by ClinVar (database versions not stated): TOPMed 0.00001; gnomAD 0.00002 and 0.00003; gnomAD exomes 0.00005 and 0.00009; ESP Exome Variant Server 0.00008; 1000 Genomes Project 30x 0.00016; ExAC 0.00017; 1000 Genomes Project 0.00020.
gnomAD v4.1: 83 of 1,613,788 alleles (0.0051%); highest among the groups gnomAD compares: Non-Finnish European, 0.006%; 1 homozygote.

Submissions (2):

Labcorp Genetics (formerly Invitae), Labcorp
Classification: Likely benign for Pierpont syndrome. Last evaluated: 2025-11-24. Review status: criteria provided, single submitter. Criteria: Invitae Variant Classification Sherloc (09022015). Collection method: clinical testing. Allele origin: germline.

CeGaT Center for Human Genetics Tuebingen
Classification: Likely benign. Last evaluated: 2025-02-01. Review status: criteria provided, single submitter. Criteria: CeGaT Center For Human Genetics Tuebingen Variant Classification Criteria Version 2. Collection method: clinical testing. Allele origin: germline. Affected: yes. Observed: 1 variant allele.
Comment: TBL1XR1: BS1